The following is an entry in ClinVar:

NM_001080421.3(UNC13A):c.1734G>C (p.Ala578=)

Gene: UNC13A (unc-13 homolog A; minus strand). Cytogenetic location: 19p13.11.
Variant type: single nucleotide variant.
Coding change: c.1734G>C on transcript NM_001080421.3 (MANE Select); coding-DNA position 1734, G replaced by C.
Protein change: p.Ala578=; no amino-acid change (alanine 578 retained).
Molecular consequence: synonymous variant.
Genome position (GRCh38, 1-based): chr19:17,648,513, C>G on the plus strand (G>C on the coding strand, the complement: UNC13A is on the minus strand). VCF-style: chr19-17648513-C-G. GRCh37 (hg19) VCF-style: chr19-17759322-C-G.
Other names: c.1728G>C, p.Ala576= (NM_001387021.1, NM_001387022.1, NM_001387023.1).
Identifiers: ClinVar variation 4989345 (VCV004989345.1).

ClinVar aggregate classification (germline): Likely benign (1 of 4 stars; one submission).

Conditions:
UNC13A-related disorder. Also called: UNC13A-related condition.

Submission:

PreventionGenetics, part of Exact Sciences
Classification: Likely benign for UNC13A-related condition. Last evaluated: 2025-02-13. Review status: criteria provided, single submitter. Criteria: ACMG Guidelines, 2015. Collection method: clinical testing. Allele origin: germline.
Comment: This variant is classified as likely benign based on ACMG/AMP sequence variant interpretation guidelines (Richards et al. 2015 PMID: 25741868, with internal and published modifications).